The following is an entry in ClinVar:

ClinVar aggregate classification (germline): Benign/Likely benign. Review status: criteria provided, multiple submitters, no conflicts (2 of 4 stars). 6 submissions from 6 submitters: Benign (2); Likely benign (4). Last evaluated 2026-01-31.

Conditions:
MET-related disorder. Also called: MET-related condition.
Renal cell carcinoma. Identifiers: Orphanet 217071, MedGen C0007134, MeSH D002292, MONDO:0005086, HP:0005584.
Hereditary cancer-predisposing syndrome. Also called: Tumor predisposition; Hereditary neoplastic syndrome; Neoplastic Syndromes, Hereditary; Hereditary Cancer Syndrome. Identifiers: Orphanet 140162, MedGen C0027672, MeSH D009386, MONDO:0015356.
Papillary renal cell carcinoma type 1 (RCCP1). Also called: RENAL CELL CARCINOMA, PAPILLARY, 1, SOMATIC; Renal adenocarcinoma; Renal cell carcinoma 1; Renal cell carcinoma, somatic. Identifiers: Orphanet 47044, MedGen C1336839, OMIM 605074, HP:0011797.

Allele frequency attached by ClinVar (database versions not stated): gnomAD 0.00001; TOPMed 0.00001; gnomAD exomes 0.00002 and 0.00003; ExAC 0.00003; 1000 Genomes Project 30x 0.00016; 1000 Genomes Project 0.00020.
gnomAD v4.1: 44 of 1,613,862 alleles (0.0027%); highest among the groups gnomAD compares: Non-Finnish European, 0.0033%; no homozygotes.

Submissions (6):

Labcorp Genetics (formerly Invitae), Labcorp
Classification: Likely benign for Renal cell carcinoma. Last evaluated: 2026-01-31. Review status: criteria provided, single submitter. Criteria: Invitae Variant Classification Sherloc (09022015). Collection method: clinical testing. Allele origin: germline.

Women's Health and Genetics/Laboratory Corporation of America, LabCorp
Classification: Benign. Last evaluated: 2025-07-14. Review status: criteria provided, single submitter. Criteria: LabCorp Variant Classification Summary - May 2015. Collection method: clinical testing. Allele origin: germline.
Comment: Variant summary: MET c.3648A>G alters a conserved nucleotide resulting in a synonymous change. Consensus agreement among computation tools predict no significant impact on normal splicing. However, these predictions have yet to be confirmed by functional studies. The variant allele was found at a frequency of 2.7e-05 in 1613862 control chromosomes. The observed variant frequency is approximately 18 fold of the estimated maximal expected allele frequency for a pathogenic variant in MET causing Papillary Renal Cell Carcinoma phenotype (1.5e-06). To our knowledge, no occurrence of c.3648A>G in individuals affected with Papillary Renal Cell Carcinoma and no experimental evidence demonstrating its impact on protein function have been reported. ClinVar contains an entry for this variant (Variation ID: 454244). Based on the evidence outlined above, the variant was classified as benign.

PreventionGenetics, part of Exact Sciences
Classification: Likely benign for MET-related condition. Last evaluated: 2025-05-25. Review status: criteria provided, single submitter. Criteria: ACMG Guidelines, 2015. Collection method: clinical testing. Allele origin: germline.
Comment: This variant is classified as likely benign based on ACMG/AMP sequence variant interpretation guidelines (Richards et al. 2015 PMID: 25741868, with internal and published modifications).

Myriad Genetics, Inc.
Classification: Benign for Papillary renal cell carcinoma type 1. Last evaluated: 2024-11-13. Review status: criteria provided, single submitter. Criteria: Myriad Autosomal Dominant, Autosomal Recessive and X-Linked Classification Criteria (2023). Collection method: clinical testing. Allele origin: unknown.
Comment: This variant is considered benign. This variant is a silent/synonymous amino acid change and it is not expected to impact splicing.

GeneDx
Classification: Likely benign. Last evaluated: 2021-09-20. Review status: criteria provided, single submitter. Criteria: GeneDx Variant Classification Process June 2021. Collection method: clinical testing. Allele origin: germline. Affected: yes.

Ambry Genetics
Classification: Likely benign for Hereditary cancer-predisposing syndrome. Last evaluated: 2018-06-07. Review status: criteria provided, single submitter. Criteria: Ambry Variant Classification Scheme 2023. Collection method: clinical testing. Allele origin: germline.

NM_000245.4(MET):c.3594A>G (p.Lys1198=)

Gene: MET (MET proto-oncogene, receptor tyrosine kinase; plus strand). Cytogenetic location: 7q31.2.
Variant type: single nucleotide variant.
Coding change: c.3594A>G on transcript NM_000245.4 (MANE Select); coding-DNA position 3594, A replaced by G.
Protein change: p.Lys1198=; no amino-acid change (lysine 1198 retained).
Molecular consequence: synonymous variant.
Genome position (GRCh38, 1-based): chr7:116,782,059, A>G. VCF-style: chr7-116782059-A-G. GRCh37 (hg19) VCF-style: chr7-116422113-A-G.
Other names: c.3648A>G (LRG_662t1, NM_001127500.2); c.3648A>G, p.Lys1216= (NM_001127500.3); c.2304A>G, p.Lys768= (NM_001324402.2).
Identifiers: ClinVar variation 454244 (VCV000454244.23), dbSNP rs199883640, ClinGen allele CA4448749.